The following is an entry in ClinVar:

NM_000363.5(TNNI3):c.102C>A (p.His34Gln)

Gene: TNNI3 (troponin I3, cardiac type; minus strand). Cytogenetic location: 19q13.42.
Variant type: single nucleotide variant.
Coding change: c.102C>A on transcript NM_000363.5 (MANE Select); coding-DNA position 102, C replaced by A.
Protein change: p.His34Gln; replaces histidine 34 with glutamine.
Molecular consequence: missense variant.
Genome position (GRCh38, 1-based): chr19:55,157,056, G>T on the plus strand (C>A on the coding strand, the complement: TNNI3 is on the minus strand). VCF-style: chr19-55157056-G-T. GRCh37 (hg19) VCF-style: chr19-55668424-G-T.
Other names: short protein forms H34Q.
Identifiers: ClinVar variation 4763284 (VCV004763284.1).

ClinVar aggregate classification (germline): Uncertain significance (1 of 4 stars; one submission).

Conditions:
Hypertrophic cardiomyopathy. Also called: HYPERTROPHIC MYOCARDIOPATHY. Identifiers: Orphanet 217569, MedGen C0007194, MeSH D002312, MONDO:0005045, HP:0001639.

Submission:

Labcorp Genetics (formerly Invitae), Labcorp
Classification: Uncertain significance for Hypertrophic cardiomyopathy. Last evaluated: 2025-07-22. Review status: criteria provided, single submitter. Criteria: Invitae Variant Classification Sherloc (09022015). Collection method: clinical testing. Allele origin: germline.
Comment: This sequence change replaces histidine, which is basic and polar, with glutamine, which is neutral and polar, at codon 34 of the TNNI3 protein (p.His34Gln). This variant is not present in population databases (gnomAD no frequency). This variant has not been reported in the literature in individuals affected with TNNI3-related conditions. An algorithm developed to predict the effect of missense changes on protein structure and function (PolyPhen-2) suggests that this variant is likely to be tolerated. In summary, the available evidence is currently insufficient to determine the role of this variant in disease. Therefore, it has been classified as a Variant of Uncertain Significance.